The following is an entry in ClinVar:

NM_004943.2(DMWD):c.1245C>T (p.Gly415=)

Gene: DMWD (DM1 locus, WD repeat containing; minus strand). Cytogenetic location: 19q13.32.
Variant type: single nucleotide variant.
Coding change: c.1245C>T on transcript NM_004943.2 (MANE Select); coding-DNA position 1245, C replaced by T.
Protein change: p.Gly415=; no amino-acid change (glycine 415 retained).
Molecular consequence: synonymous variant.
Genome position (GRCh38, 1-based): chr19:45,786,251, G>A on the plus strand (C>T on the coding strand, the complement: DMWD is on the minus strand). VCF-style: chr19-45786251-G-A. GRCh37 (hg19) VCF-style: chr19-46289509-G-A.
Identifiers: ClinVar variation 3059273 (VCV003059273.2), dbSNP rs11545326, ClinGen allele CA9522121.

ClinVar aggregate classification (germline): Benign (0 of 4 stars; one submission).

Conditions:
DMWD-related disorder. Also called: DMWD-related condition.

Allele frequency attached by ClinVar (database versions not stated): 1000 Genomes Project 30x 0.08136; 1000 Genomes Project 0.08227; TOPMed 0.08627; ESP Exome Variant Server 0.09189; gnomAD 0.09492; ExAC 0.11603; gnomAD exomes 0.12427.
gnomAD v4.1: 194,412 of 1,606,406 alleles (12%); highest among the groups gnomAD compares: South Asian, 14%; 12,757 homozygotes.

Submission:

PreventionGenetics, part of Exact Sciences
Classification: Benign for DMWD-related condition. Last evaluated: 2019-11-18. Review status: no assertion criteria provided. Collection method: clinical testing. Allele origin: germline.
Comment: This variant is classified as benign based on ACMG/AMP sequence variant interpretation guidelines (Richards et al. 2015 PMID: 25741868, with internal and published modifications).